The following is an entry in ClinVar:

ClinVar aggregate classification (germline): Uncertain significance (1 of 4 stars; one submission).

Conditions:
Cardiovascular phenotype. Identifiers: MedGen CN230736.

Submission:

Ambry Genetics
Classification: Uncertain significance for Cardiovascular phenotype. Last evaluated: 2026-01-02. Review status: criteria provided, single submitter. Criteria: Ambry Variant Classification Scheme 2023. Collection method: clinical testing. Allele origin: germline.
Comment: The p.K91N variant (also known as c.273G>C), located in coding exon 4 of the MYL2 gene, results from a G to C substitution at nucleotide position 273. The lysine at codon 91 is replaced by asparagine, an amino acid with similar properties. This variant was reported in individual(s) with features consistent with hypertrophic cardiomyopathy (Harper AR et al. Nat Genet, 2021 Feb;53:135-142; Ambry internal data). This amino acid position is highly conserved in available vertebrate species. In addition, this alteration is predicted to be tolerated by in silico analysis. Based on the available evidence, the clinical significance of this variant remains unclear.

Literature cited by the submitters: PubMed 33495597.

NM_000432.4(MYL2):c.273G>C (p.Lys91Asn)

Gene: MYL2 (myosin light chain 2; minus strand). Cytogenetic location: 12q24.11.
Variant type: single nucleotide variant.
Coding change: c.273G>C on transcript NM_000432.4 (MANE Select); coding-DNA position 273, G replaced by C.
Protein change: p.Lys91Asn; replaces lysine 91 with asparagine.
Molecular consequence: missense variant.
Genome position (GRCh38, 1-based): chr12:110,914,187, C>G on the plus strand (G>C on the coding strand, the complement: MYL2 is on the minus strand). VCF-style: chr12-110914187-C-G. GRCh37 (hg19) VCF-style: chr12-111351991-C-G.
Other names: c.231G>C, p.Lys77Asn (NM_001406745.1); c.216G>C, p.Lys72Asn (NM_001406916.1); short protein forms K77N, K91N, K72N.
Identifiers: ClinVar variation 4843578 (VCV004843578.1).